The following is an entry in ClinVar:

NM_000455.5(STK11):c.1014G>T (p.Val338=)

Genes: STK11 (serine/threonine kinase 11; plus strand), LOC130062899 (ATAC-STARR-seq lymphoblastoid active region 13597; plus strand). Cytogenetic location: 19p13.3.
Variant type: single nucleotide variant.
Coding change: c.1014G>T on transcript NM_000455.5 (MANE Select); coding-DNA position 1014, G replaced by T.
Protein change: p.Val338=; no amino-acid change (valine 338 retained).
Molecular consequence: synonymous variant. On other transcripts: non-coding transcript variant (1).
Genome position (GRCh38, 1-based): chr19:1,223,078, G>T. VCF-style: chr19-1223078-G-T. GRCh37 (hg19) VCF-style: chr19-1223077-G-T.
Other names: c.1014G>T, p.Val338= (NM_001407255.1).
Identifiers: ClinVar variation 3904319 (VCV003904319.1).

ClinVar aggregate classification (germline): Benign (1 of 4 stars; one submission).

Conditions:
Peutz-Jeghers syndrome (PJS). Also called: POLYPOSIS, HAMARTOMATOUS INTESTINAL; POLYPS-AND-SPOTS SYNDROME; Peutz-Jeghers polyposis; Periorificial lentiginosis syndrome. Identifiers: Orphanet 2869, MedGen C0031269, MeSH D010580, MONDO:0008280, OMIM 175200.

Submission:

Myriad Genetics, Inc.
Classification: Benign for Peutz-Jeghers syndrome. Last evaluated: 2025-03-28. Review status: criteria provided, single submitter. Criteria: Myriad Autosomal Dominant, Autosomal Recessive and X-Linked Classification Criteria (2023). Collection method: clinical testing. Allele origin: unknown.
Comment: This variant is considered benign. This variant is a silent/synonymous amino acid change and it is not expected to impact splicing.